The following is an entry in ClinVar:

NM_001278716.2(FBXL4):c.1586C>A (p.Ala529Glu)

Gene: FBXL4 (F-box and leucine rich repeat protein 4; minus strand). Cytogenetic location: 6q16.1.
Variant type: single nucleotide variant.
Coding change: c.1586C>A on transcript NM_001278716.2 (MANE Select); coding-DNA position 1586, C replaced by A.
Protein change: p.Ala529Glu; replaces alanine 529 with glutamic acid.
Molecular consequence: missense variant. On other transcripts: non-coding transcript variant (1).
Genome position (GRCh38, 1-based): chr6:98,875,531, G>T on the plus strand (C>A on the coding strand, the complement: FBXL4 is on the minus strand). VCF-style: chr6-98875531-G-T. GRCh37 (hg19) VCF-style: chr6-99323407-G-T.
Other names: c.1586C>A, p.Ala529Glu (NM_012160.5); short protein forms A529E.
Identifiers: ClinVar variation 437480 (VCV000437480.2), dbSNP rs1443104983, ClinGen allele CA365086857.

ClinVar aggregate classification (germline): Conflicting classifications of pathogenicity. Review status: criteria provided, conflicting classifications (1 of 4 stars). 2 submissions from 2 submitters: Likely pathogenic (1); Uncertain significance (1). Last evaluated 2025-05-09.

Conditions:
Mitochondrial DNA depletion syndrome 13. Also called: FBXL4-Related Encephalomyopathic Mitochondrial DNA Depletion Syndrome; Mitochondrial DNA depletion syndrome 13 (encephalomyopathic type). Identifiers: Orphanet 369897, MedGen C3809592, MONDO:0014198, OMIM 615471.

Allele frequency attached by ClinVar (database versions not stated): gnomAD 0.00001; TOPMed 0.00001.
gnomAD v4.1: 3 of 1,614,010 alleles (0.00019%); highest among the groups gnomAD compares: Non-Finnish European, 0.00025%; no homozygotes.

Submissions (2):

Women's Health and Genetics/Laboratory Corporation of America, LabCorp
Classification: Uncertain significance. Last evaluated: 2025-05-09. Review status: criteria provided, single submitter. Criteria: LabCorp Variant Classification Summary - May 2015. Collection method: clinical testing. Allele origin: germline.
Comment: Variant summary: FBXL4 c.1586C>A (p.Ala529Glu) results in a non-conservative amino acid change in the encoded protein sequence. Algorithms developed to predict the effect of missense changes on protein structure and function are either unavailable or do not agree on the potential impact of this missense change. The variant was absent in 251038 control chromosomes. The available data on variant occurrences in the general population are insufficient to allow any conclusion about variant significance. c.1586C>A has been observed in individual(s) affected with Leigh Syndrome (Morton_2017, Matricardi_2019). These report(s) do not provide unequivocal conclusions about association of the variant with Leigh Syndrome. To our knowledge, no experimental evidence demonstrating an impact on protein function has been reported. The following publications have been ascertained in the context of this evaluation (PMID: 31102535, 27858371). ClinVar contains an entry for this variant (Variation ID: 437480). Based on the evidence outlined above, the variant was classified as uncertain significance.

Wong Mito Lab, Molecular and Human Genetics, Baylor College of Medicine
Classification: Likely pathogenic for Mitochondrial DNA depletion syndrome 13. Last evaluated: 2017-08-10. Review status: criteria provided, single submitter. Criteria: ACMG Guidelines, 2015. Collection method: clinical testing. Allele origin: germline. Affected: yes.
Comment: The NM_012160.4:c.1586C>A (NP_036292.2:p.Ala529Glu) [GRCH38: NC_000006.12:g.98875531G>T] variant in FBXL4 gene is interpretated to be a Likely Pathogenic based on ACMG guidelines (PMID: 25741868). This variant has been reported in PMID:27858371 . This variant meets one or more of the following evidence codes reported in the ACMG-guideline. PM2:This variant is absent in key population databases. PM3:Detected in trans with a pathogenic variant for Mitochondrial DNA depletion syndrome 13 which is a recessive disorder. PP1:This variant is co-segregated with Mitochondrial DNA depletion syndrome 13 in multiple affected family members. PP2:This is a missense variant in FBXL4 with a low rate of benign and high rate of pathogenic missense variations. PP4:Patientâ€™s phenotype or family history is highly specific for FBXL4. PP5:Reputable source(s) suggest that the variant is pathogenic. Based on this evidence code ClinGen Pathogenicity Calculator (PMID:28081714) suggested that the variant is Likely Pathogenic.

Literature cited by the submitters: PubMed 31102535 (cited by Women's Health and Genetics/Laboratory Corporation of America, LabCorp); PubMed 27858371 (cited by Women's Health and Genetics/Laboratory Corporation of America, LabCorp and Wong Mito Lab, Molecular and Human Genetics, Baylor College of Medicine).